The following is an entry in ClinVar:

NM_019594.4(LRRC8A):c.117C>T (p.Ala39=)

Gene: LRRC8A (leucine rich repeat containing 8 VRAC subunit A; plus strand). Cytogenetic location: 9q34.11.
Variant type: single nucleotide variant.
Coding change: c.117C>T on transcript NM_019594.4 (MANE Select); coding-DNA position 117, C replaced by T.
Protein change: p.Ala39=; no amino-acid change (alanine 39 retained).
Molecular consequence: synonymous variant.
Genome position (GRCh38, 1-based): chr9:128,907,281, C>T. VCF-style: chr9-128907281-C-T. GRCh37 (hg19) VCF-style: chr9-131669560-C-T.
Other names: c.117C>T, p.Ala39= (NM_001127244.2, NM_001127245.2).
Identifiers: ClinVar variation 790627 (VCV000790627.15), dbSNP rs75533615, ClinGen allele CA5270668.

ClinVar aggregate classification (germline): Benign/Likely benign. Review status: criteria provided, multiple submitters, no conflicts (2 of 4 stars). 4 submissions from 4 submitters: Benign (2); Likely benign (1). 1 of the submissions does not count toward it. Last evaluated 2026-02-01.

Conditions:
LRRC8A-related disorder. Also called: LRRC8A-related condition.

Allele frequency attached by ClinVar (database versions not stated): gnomAD exomes 0.00090; ExAC 0.00105; gnomAD 0.00326 and 0.00339; TOPMed 0.00379; 1000 Genomes Project 0.00399; ESP Exome Variant Server 0.00423; 1000 Genomes Project 30x 0.00515.
gnomAD v4.1: 984 of 1,614,070 alleles (0.061%); highest among the groups gnomAD compares: African/African-American, 1.1%; 7 homozygotes.

Submissions (4):

Labcorp Genetics (formerly Invitae), Labcorp
Classification: Benign. Last evaluated: 2026-02-01. Review status: criteria provided, single submitter. Criteria: Invitae Variant Classification Sherloc (09022015). Collection method: clinical testing. Allele origin: germline.

Blueprint Genetics
Classification: Likely benign. Last evaluated: 2024-11-13. Review status: criteria provided, single submitter. Criteria: ACMG Guidelines, 2015. Collection method: clinical testing. Allele origin: germline.

Breakthrough Genomics
Classification: Benign. Review status: criteria provided, single submitter. Criteria: ACMG Guidelines, 2015. Collection method: not provided. Allele origin: germline. Inheritance: Autosomal dominant inheritance. Affected: yes.

PreventionGenetics, part of Exact Sciences
Classification: Benign for LRRC8A-related condition. Last evaluated: 2019-05-02. Review status: no assertion criteria provided. Collection method: clinical testing. Allele origin: germline. Not counted in ClinVar's aggregate classification.
Comment: This variant is classified as benign based on ACMG/AMP sequence variant interpretation guidelines (Richards et al. 2015 PMID: 25741868, with internal and published modifications).